The following is an entry in ClinVar:

ClinVar aggregate classification (germline): Uncertain significance (1 of 4 stars; one submission).

Conditions:
Autosomal recessive limb-girdle muscular dystrophy type 2J (LGMDR10). Also called: Limb-girdle muscular dystrophy, type 2J; MUSCULAR DYSTROPHY, LIMB-GIRDLE, AUTOSOMAL RECESSIVE 10. Identifiers: Orphanet 140922, MedGen C1837342, MONDO:0012127, OMIM 608807.
Dilated cardiomyopathy 1G (CMD1G). Identifiers: Orphanet 154, MedGen C1858763, MONDO:0011400, OMIM 604145.

Submission:

Labcorp Genetics (formerly Invitae), Labcorp
Classification: Uncertain significance for Dilated cardiomyopathy 1G; Autosomal recessive limb-girdle muscular dystrophy type 2J. Last evaluated: 2025-10-21. Review status: criteria provided, single submitter. Criteria: Invitae Variant Classification Sherloc (09022015). Collection method: clinical testing. Allele origin: germline.
Comment: This sequence change replaces arginine, which is basic and polar, with serine, which is neutral and polar, at codon 35222 of the TTN protein (p.Arg35222Ser). This variant is not present in population databases (gnomAD no frequency). This variant has not been reported in the literature in individuals affected with TTN-related conditions. Experimental studies and prediction algorithms are not available or were not evaluated, and the functional significance of this variant is currently unknown. This variant is located in the M band of TTN (PMID: 25589632). Non-truncating variants in this region may be relevant for neuromuscular disorders, but have not been definitively shown to cause cardiomyopathy (PMID: 23975875). In summary, the available evidence is currently insufficient to determine the role of this variant in disease. Therefore, it has been classified as a Variant of Uncertain Significance.

Literature cited by the submitters: PubMed 25589632; PubMed 23975875.

NM_001267550.2(TTN):c.105666G>C (p.Arg35222Ser)

Genes: TTN (titin; minus strand), TTN-AS1 (TTN antisense RNA 1; plus strand), LOC129935183 (ATAC-STARR-seq lymphoblastoid active region 16808; plus strand). Cytogenetic location: 2q31.2.
Variant type: single nucleotide variant.
Coding change: c.105666G>C on transcript NM_001267550.2 (MANE Select); coding-DNA position 105666, G replaced by C.
Protein change: p.Arg35222Ser; replaces arginine 35222 with serine.
Molecular consequence: missense variant.
Genome position (GRCh38, 1-based): chr2:178,530,949, C>G on the plus strand (G>C on the coding strand, the complement: TTN is on the minus strand). VCF-style: chr2-178530949-C-G. GRCh37 (hg19) VCF-style: chr2-179395676-C-G.
Other names: c.100743G>C, p.Arg33581Ser (NM_001256850.1); c.78471G>C, p.Arg26157Ser (NM_003319.4); c.97962G>C, p.Arg32654Ser (NM_133378.4); c.78846G>C, p.Arg26282Ser (NM_133432.3); c.79047G>C, p.Arg26349Ser (NM_133437.4); short protein forms R26157S, R26282S, R35222S, R32654S, R26349S, R33581S.
Identifiers: ClinVar variation 4786350 (VCV004786350.1).